The following is an entry in ClinVar:

NC_000023.10:g.(?_46696536)_(47436910_?)dup

Genes: LINC01560 (long intergenic non-protein coding RNA 1560; plus strand), INE1 (inactivation escape 1; plus strand), USP11 (ubiquitin specific peptidase 11; plus strand), RP2 (RP2 activator of ARL3 GTPase; plus strand), NDUFB11 (NADH:ubiquinone oxidoreductase subunit B11; minus strand) and 9 more. Cytogenetic location: Xp11.23.
Variant type: Duplication.
Identifiers: ClinVar variation 1011944 (VCV001011944.8).

ClinVar aggregate classification (germline): Uncertain significance (1 of 4 stars; one submission).

Conditions:
Epilepsy, X-linked 1, with variable learning disabilities and behavior disorders. Also called: X-linked epilepsy-learning disabilities-behavior disorders syndrome. Identifiers: Orphanet 85294, MedGen C5774177, MONDO:0010339, OMIM 300491.

Submission:

Labcorp Genetics (formerly Invitae), Labcorp
Classification: Uncertain significance for Epilepsy, X-linked 1, with variable learning disabilities and behavior disorders. Last evaluated: 2020-09-17. Review status: criteria provided, single submitter. Criteria: Invitae Variant Classification Sherloc (09022015). Collection method: clinical testing. Allele origin: germline.
Comment: This variant results in a copy number gain of the genomic region encompassing exon(s) 6-13 of the SYN1 gene. The 5' boundary is likely confined to intron 5. The 3' end of this event is unknown as it extends beyond the assayed region for this gene and therefore may encompass additional genes. As the precise location of this event is unknown, it may be in tandem or it may be located elsewhere in the genome. This variant has not been reported in the literature in individuals with SYN1-related conditions. In summary, the available evidence is currently insufficient to determine the role of this variant in disease. Therefore, it has been classified as a Variant of Uncertain Significance.